The following is an entry in ClinVar:

NM_000217.3(KCNA1):c.430C>G (p.Leu144Val)

Gene: KCNA1 (potassium voltage-gated channel subfamily A member 1; plus strand). Cytogenetic location: 12p13.32.
Variant type: single nucleotide variant.
Coding change: c.430C>G on transcript NM_000217.3 (MANE Select); coding-DNA position 430, C replaced by G.
Protein change: p.Leu144Val; replaces leucine 144 with valine.
Molecular consequence: missense variant.
Genome position (GRCh38, 1-based): chr12:4,911,808, C>G. VCF-style: chr12-4911808-C-G. GRCh37 (hg19) VCF-style: chr12-5020974-C-G.
Other names: short protein forms L144V.
Identifiers: ClinVar variation 2161143 (VCV002161143.4), dbSNP rs568025967, ClinGen allele CA383454547.

ClinVar aggregate classification (germline): Uncertain significance (1 of 4 stars; one submission).

Conditions:
Episodic ataxia type 1 (EA1). Also called: PAROXYSMAL ATAXIA WITH NEUROMYOTONIA, HEREDITARY; MYOKYMIA WITH PERIODIC ATAXIA; ATAXIA, EPISODIC, WITH MYOKYMIA; Episodic ataxia/myokymia syndrome. Identifiers: Orphanet 37612, Orphanet 972, MedGen C1719788, MONDO:0008047, OMIM 160120.

Submission:

Labcorp Genetics (formerly Invitae), Labcorp
Classification: Uncertain significance for Episodic ataxia type 1. Last evaluated: 2022-04-16. Review status: criteria provided, single submitter. Criteria: Invitae Variant Classification Sherloc (09022015). Collection method: clinical testing. Allele origin: germline.
Comment: This variant is present in population databases (no rsID available, gnomAD 0.003%). This sequence change replaces leucine, which is neutral and non-polar, with valine, which is neutral and non-polar, at codon 144 of the KCNA1 protein (p.Leu144Val). This variant has not been reported in the literature in individuals affected with KCNA1-related conditions. In summary, the available evidence is currently insufficient to determine the role of this variant in disease. Therefore, it has been classified as a Variant of Uncertain Significance. Algorithms developed to predict the effect of missense changes on protein structure and function (SIFT, PolyPhen-2, Align-GVGD) all suggest that this variant is likely to be disruptive.